The following is an entry in ClinVar:

ClinVar aggregate classification (germline): Uncertain significance (1 of 4 stars; one submission).

Submission:

Labcorp Genetics (formerly Invitae), Labcorp
Classification: Uncertain significance. Last evaluated: 2022-10-31. Review status: criteria provided, single submitter. Criteria: Invitae Variant Classification Sherloc (09022015). Collection method: clinical testing. Allele origin: germline.
Comment: This variant results in a copy number gain of the genomic region encompassing exon(s) 3-6 of the NTHL1 gene. This region includes the termination codon of the gene. This copy number gain extends beyond the assayed region for this gene and therefore may encompass additional genes. As the precise location of this event is unknown, it may be in tandem or it may be located elsewhere in the genome. This variant has not been reported in the literature in individuals affected with NTHL1-related conditions. In summary, the available evidence is currently insufficient to determine the role of this variant in disease. Therefore, it has been classified as a Variant of Uncertain Significance.

NC_000016.9:g.(?_2089925)_(2094811_?)dup

Gene: NTHL1 (nth like DNA glycosylase 1; minus strand). Cytogenetic location: 16p13.3.
Variant type: Duplication.
Identifiers: ClinVar variation 2424477 (VCV002424477.3).